The following is an entry in ClinVar:

ClinVar aggregate classification (germline): Likely benign (1 of 4 stars; one submission).

gnomAD v4.1: 68 of 1,602,482 alleles (0.0042%); highest among the groups gnomAD compares: Admixed American, 0.11%; 1 homozygote.

Submission:

CeGaT Center for Human Genetics Tuebingen
Classification: Likely benign. Last evaluated: 2025-12-01. Review status: criteria provided, single submitter. Criteria: CeGaT Center For Human Genetics Tuebingen Variant Classification Criteria Version 2. Collection method: clinical testing. Allele origin: germline. Affected: yes. Observed: 1 variant allele.
Comment: SLC30A9: BP4, BP7

NM_006345.4(SLC30A9):c.634T>C (p.Leu212=)

Gene: SLC30A9 (solute carrier family 30 member 9; plus strand). Cytogenetic location: 4p13.
Variant type: single nucleotide variant.
Coding change: c.634T>C on transcript NM_006345.4 (MANE Select); coding-DNA position 634, T replaced by C.
Protein change: p.Leu212=; no amino-acid change (leucine 212 retained).
Molecular consequence: synonymous variant.
Genome position (GRCh38, 1-based): chr4:42,035,298, T>C. VCF-style: chr4-42035298-T-C. GRCh37 (hg19) VCF-style: chr4-42037315-T-C.
Identifiers: ClinVar variation 4681982 (VCV004681982.5).